The following is an entry in ClinVar:

ClinVar aggregate classification (germline): Likely benign. Review status: criteria provided, multiple submitters, no conflicts (2 of 4 stars). 3 submissions from 3 submitters: Likely benign (3). Last evaluated 2024-07-20.

Conditions:
Familial thoracic aortic aneurysm and aortic dissection (TAAD). Also called: Thoracic aortic aneurysms and dissections. Identifiers: Orphanet 91387, MedGen C4707243, MONDO:0019625.

Allele frequency attached by ClinVar (database versions not stated): gnomAD exomes 0.00001 and 0.00002; TOPMed 0.00001; gnomAD 0.00003.
gnomAD v4.1: 32 of 1,612,582 alleles (0.002%); highest among the groups gnomAD compares: African/African-American, 0.0027%; no homozygotes.

Submissions (3):

Labcorp Genetics (formerly Invitae), Labcorp
Classification: Likely benign for Familial thoracic aortic aneurysm and aortic dissection. Last evaluated: 2024-07-20. Review status: criteria provided, single submitter. Criteria: Invitae Variant Classification Sherloc (09022015). Collection method: clinical testing. Allele origin: germline.

Color Diagnostics, LLC DBA Color Health
Classification: Likely benign for Familial thoracic aortic aneurysm and aortic dissection. Last evaluated: 2019-12-10. Review status: criteria provided, single submitter. Criteria: ACMG Guidelines, 2015. Collection method: clinical testing. Allele origin: germline.

GeneDx
Classification: Likely benign. Last evaluated: 2017-05-18. Review status: criteria provided, single submitter. Criteria: GeneDx Variant Classification (06012015). Collection method: clinical testing. Allele origin: germline. Affected: yes.
Comment: This variant is considered likely benign or benign based on one or more of the following criteria: it is a conservative change, it occurs at a poorly conserved position in the protein, it is predicted to be benign by multiple in silico algorithms, and/or has population frequency not consistent with disease.

NM_005902.4(SMAD3):c.207-4G>A

Gene: SMAD3 (SMAD family member 3; plus strand). Cytogenetic location: 15q22.33.
Variant type: single nucleotide variant.
Coding change: c.207-4G>A on transcript NM_005902.4 (MANE Select); 4 bases into the intron before coding-DNA position 207, G replaced by A.
Molecular consequence: intron variant.
Genome position (GRCh38, 1-based): chr15:67,164,891, G>A. VCF-style: chr15-67164891-G-A. GRCh37 (hg19) VCF-style: chr15-67457229-G-A.
Other names: c.-109-4G>A (NM_001145102.2); c.75-4G>A (NM_001145103.2).
Identifiers: ClinVar variation 517857 (VCV000517857.11), dbSNP rs1319147414, ClinGen allele CA618686667.